The following is an entry in ClinVar:

NM_052859.4(RFT1):c.1271G>A (p.Arg424His)

Gene: RFT1 (RFT1 glycolipid translocator homolog; minus strand). Cytogenetic location: 3p21.1.
Variant type: single nucleotide variant.
Coding change: c.1271G>A on transcript NM_052859.4 (MANE Select); coding-DNA position 1271, G replaced by A.
Protein change: p.Arg424His; replaces arginine 424 with histidine.
Molecular consequence: missense variant.
Genome position (GRCh38, 1-based): chr3:53,092,556, C>T on the plus strand (G>A on the coding strand, the complement: RFT1 is on the minus strand). VCF-style: chr3-53092556-C-T. GRCh37 (hg19) VCF-style: chr3-53126572-C-T.
Other names: short protein forms R424H.
Identifiers: ClinVar variation 2073967 (VCV002073967.3), dbSNP rs759492237, ClinGen allele CA2451189.
Genomic context (GRCh38, chr3:53,092,556, plus strand): 5'-GTGATCCGAATGCCCATGTTAAAGCAGTTGGCCAAGATGAAGCCCACGCTGCCACACCAA[C>T]GGGTCAAGAGATAGGATAACACCAGGAATGAGGAGGACAGGGCCAGCATCACAAAATTGT-3'
Protein context (NP_443091.1, residues 414-434): SFLVLSYLLT[Arg424His]WCGSVGFILA

ClinVar aggregate classification (germline): Uncertain significance. Review status: criteria provided, multiple submitters, no conflicts (2 of 4 stars). 2 submissions from 2 submitters: Uncertain significance (2). Last evaluated 2023-11-27.

Conditions:
Inborn genetic diseases. Identifiers: MedGen C0950123, MeSH D030342.
RFT1-congenital disorder of glycosylation (CDG1N). Also called: RFT1-CDG; CDG In; Congenital disorder of glycosylation type In. Identifiers: Orphanet 244310, MedGen C2677590, MONDO:0012783, OMIM 612015.

Allele frequency attached by ClinVar (database versions not stated): gnomAD 0.00005; gnomAD exomes 0.00006; ExAC 0.00012.
gnomAD v4.1: 97 of 1,612,438 alleles (0.006%); highest among the groups gnomAD compares: South Asian, 0.012%; no homozygotes.

Submissions (2):

Labcorp Genetics (formerly Invitae), Labcorp
Classification: Uncertain significance for RFT1-congenital disorder of glycosylation. Last evaluated: 2023-11-27. Review status: criteria provided, single submitter. Criteria: Invitae Variant Classification Sherloc (09022015). Collection method: clinical testing. Allele origin: germline.
Comment: This sequence change replaces arginine, which is basic and polar, with histidine, which is basic and polar, at codon 424 of the RFT1 protein (p.Arg424His). This variant is present in population databases (rs759492237, gnomAD 0.02%). This variant has not been reported in the literature in individuals affected with RFT1-related conditions. ClinVar contains an entry for this variant (Variation ID: 2073967). Advanced modeling of protein sequence and biophysical properties (such as structural, functional, and spatial information, amino acid conservation, physicochemical variation, residue mobility, and thermodynamic stability) performed at Invitae indicates that this missense variant is not expected to disrupt RFT1 protein function with a negative predictive value of 80%. In summary, the available evidence is currently insufficient to determine the role of this variant in disease. Therefore, it has been classified as a Variant of Uncertain Significance.

Ambry Genetics
Classification: Uncertain significance for Inborn genetic diseases. Last evaluated: 2021-08-10. Review status: criteria provided, single submitter. Criteria: Ambry Variant Classification Scheme 2023. Collection method: clinical testing. Allele origin: germline.